The following is an entry in ClinVar:

NM_004187.5(KDM5C):c.3677A>G (p.Asn1226Ser)

Gene: KDM5C (lysine demethylase 5C; minus strand). Cytogenetic location: Xp11.22.
Variant type: single nucleotide variant.
Coding change: c.3677A>G on transcript NM_004187.5 (MANE Select); coding-DNA position 3677, A replaced by G.
Protein change: p.Asn1226Ser; replaces asparagine 1226 with serine.
Molecular consequence: missense variant. On other transcripts: non-coding transcript variant (3).
Genome position (GRCh38, 1-based): chrX:53,194,500, T>C on the plus strand (A>G on the coding strand, the complement: KDM5C is on the minus strand). VCF-style: chrX-53194500-T-C. GRCh37 (hg19) VCF-style: chrX-53223682-T-C.
Other names: c.3476A>G, p.Asn1159Ser (NM_001146702.2); c.3674A>G, p.Asn1225Ser (NM_001282622.3, NM_001353979.2, NM_001353982.2); c.3677A>G, p.Asn1226Ser (NM_001353978.3, NM_001353981.2, NM_001353984.2); short protein forms N1226S, N1159S, N1225S.
Identifiers: ClinVar variation 2898393 (VCV002898393.3), dbSNP rs1556834334, ClinGen allele CA413107665.

ClinVar aggregate classification (germline): Uncertain significance (1 of 4 stars; one submission).

Conditions:
Spastic paraplegia. Identifiers: MedGen C0037772, HP:0001258.

Allele frequency attached by ClinVar (database versions not stated): gnomAD exomes 0.00001; TOPMed 0.00002; gnomAD 0.00004.
gnomAD v4.1: 7 of 1,209,617 alleles (0.00058%); highest among the groups gnomAD compares: East Asian, 0.0059%; no homozygotes.

Submission:

Labcorp Genetics (formerly Invitae), Labcorp
Classification: Uncertain significance for Spastic paraplegia. Last evaluated: 2023-08-02. Review status: criteria provided, single submitter. Criteria: Invitae Variant Classification Sherloc (09022015). Collection method: clinical testing. Allele origin: germline.
Comment: This variant has not been reported in the literature in individuals affected with KDM5C-related conditions. This sequence change replaces asparagine, which is neutral and polar, with serine, which is neutral and polar, at codon 1226 of the KDM5C protein (p.Asn1226Ser). This variant is present in population databases (no rsID available, gnomAD 0.02%). Advanced modeling of protein sequence and biophysical properties (such as structural, functional, and spatial information, amino acid conservation, physicochemical variation, residue mobility, and thermodynamic stability) performed at Invitae indicates that this missense variant is not expected to disrupt KDM5C protein function. In summary, the available evidence is currently insufficient to determine the role of this variant in disease. Therefore, it has been classified as a Variant of Uncertain Significance.